The following is an entry in ClinVar:

ClinVar aggregate classification (germline): Uncertain significance (1 of 4 stars; one submission).

Submission:

Labcorp Genetics (formerly Invitae), Labcorp
Classification: Uncertain significance. Last evaluated: 2025-02-06. Review status: criteria provided, single submitter. Criteria: Invitae Variant Classification Sherloc (09022015). Collection method: clinical testing. Allele origin: germline.
Comment: This sequence change replaces aspartic acid, which is acidic and polar, with glycine, which is neutral and non-polar, at codon 43 of the POLE2 protein (p.Asp43Gly). This variant is not present in population databases (gnomAD no frequency). This variant has not been reported in the literature in individuals affected with POLE2-related conditions. An algorithm developed to predict the effect of missense changes on protein structure and function (PolyPhen-2) suggests that this variant is likely to be tolerated. In summary, the available evidence is currently insufficient to determine the role of this variant in disease. Therefore, it has been classified as a Variant of Uncertain Significance.

NM_002692.4(POLE2):c.128A>G (p.Asp43Gly)

Gene: POLE2 (DNA polymerase epsilon 2, accessory subunit; minus strand). Cytogenetic location: 14q21.3.
Variant type: single nucleotide variant.
Coding change: c.128A>G on transcript NM_002692.4 (MANE Select); coding-DNA position 128, A replaced by G.
Protein change: p.Asp43Gly; replaces aspartic acid 43 with glycine.
Molecular consequence: missense variant. On other transcripts: 5 prime UTR variant (1).
Genome position (GRCh38, 1-based): chr14:49,683,634, T>C on the plus strand (A>G on the coding strand, the complement: POLE2 is on the minus strand). VCF-style: chr14-49683634-T-C. GRCh37 (hg19) VCF-style: chr14-50150352-T-C.
Other names: c.128A>G, p.Asp43Gly (NM_001197330.2, NM_001197331.3, NM_001348384.2); c.-108A>G (NM_001348385.2); short protein forms D43G.
Identifiers: ClinVar variation 4712488 (VCV004712488.1).